The following is an entry in ClinVar:

NM_001267550.2(TTN):c.80279_80280insT (p.Glu26760fs)

Genes: TTN-AS1 (TTN antisense RNA 1; plus strand), TTN (titin; minus strand). Cytogenetic location: 2q31.2.
Variant type: Insertion.
Coding change: c.80279_80280insT on transcript NM_001267550.2 (MANE Select); coding-DNA positions 80279 to 80280, T inserted.
Protein change: p.Glu26760fs; shifts the reading frame from glutamic acid 26760.
Molecular consequence: frameshift variant.
Genome position: GRCh38 VCF-style: chr2-178565852-T-TA. GRCh37 (hg19) VCF-style: chr2-179430579-T-TA.
Other names: c.75356_75357insT, p.Glu25119fs (NM_001256850.1); c.53084_53085insT, p.Glu17695fs (NM_003319.4); c.72575_72576insT, p.Glu24192fs (NM_133378.4); c.53459_53460insT, p.Glu17820fs (NM_133432.3); c.53660_53661insT, p.Glu17887fs (NM_133437.4); short protein forms E17695fs, E17820fs, E17887fs, E24192fs, E25119fs, E26760fs.
Identifiers: ClinVar variation 4293309 (VCV004293309.1).
Genomic context (GRCh38, chr2:178,565,852, plus strand): 5'-AGGTTCAGCAGCTTTCACGGCATCAACAGTTTCCACTGGAACACCAACTCCAAATTCATT[T>TA]TCAGCCATGACTCTGAAGTAATAAATGGCTCCTTCTGTAAGGTTTTCCACTTTAAAACTT-3'

ClinVar aggregate classification (germline): Likely pathogenic (1 of 4 stars; one submission).

Conditions:
Dilated cardiomyopathy 1G (CMD1G). Identifiers: Orphanet 154, MedGen C1858763, MONDO:0011400, OMIM 604145.

Submission:

3billion
Classification: Likely pathogenic for Dilated cardiomyopathy 1G. Last evaluated: 2024-10-07. Review status: criteria provided, single submitter. Criteria: ACMG Guidelines, 2015. Collection method: clinical testing. Allele origin: germline. Affected: yes.
Comment: The variant is not observed in the gnomAD v4.1.0 dataset. Predicted Consequence/Location: Frameshift: predicted to result in a loss or disruption of normal protein function through nonsense-mediated decay (NMD) or protein truncation. Multiple pathogenic variants are reported downstream of the variant. Therefore, this variant is classified as Likely pathogenic according to the recommendation of ACMG/AMP guideline.